The following is an entry in ClinVar:

ClinVar aggregate classification (germline): Uncertain significance (1 of 4 stars; one submission).

Allele frequency attached by ClinVar (database versions not stated): TOPMed below 0.00001; gnomAD exomes 0.00001; ExAC 0.00008.
gnomAD v4.1: 16 of 1,595,512 alleles (0.001%); highest among the groups gnomAD compares: South Asian, 0.01%; no homozygotes.

Submission:

Labcorp Genetics (formerly Invitae), Labcorp
Classification: Uncertain significance. Last evaluated: 2023-05-22. Review status: criteria provided, single submitter. Criteria: Invitae Variant Classification Sherloc (09022015). Collection method: clinical testing. Allele origin: germline.
Comment: This sequence change replaces glycine, which is neutral and non-polar, with arginine, which is basic and polar, at codon 761 of the DCHS1 protein (p.Gly761Arg). The frequency data for this variant in the population databases is considered unreliable, as metrics indicate poor data quality at this position in the gnomAD database. In summary, the available evidence is currently insufficient to determine the role of this variant in disease. Therefore, it has been classified as a Variant of Uncertain Significance. Advanced modeling of protein sequence and biophysical properties (such as structural, functional, and spatial information, amino acid conservation, physicochemical variation, residue mobility, and thermodynamic stability) performed at Invitae indicates that this missense variant is not expected to disrupt DCHS1 protein function. ClinVar contains an entry for this variant (Variation ID: 2038811). This variant has not been reported in the literature in individuals affected with DCHS1-related conditions.

NM_003737.4(DCHS1):c.2281G>A (p.Gly761Arg)

Gene: DCHS1 (dachsous cadherin-related 1; minus strand). Cytogenetic location: 11p15.4.
Variant type: single nucleotide variant.
Coding change: c.2281G>A on transcript NM_003737.4 (MANE Select); coding-DNA position 2281, G replaced by A.
Protein change: p.Gly761Arg; replaces glycine 761 with arginine.
Molecular consequence: missense variant.
Genome position (GRCh38, 1-based): chr11:6,633,586, C>T on the plus strand (G>A on the coding strand, the complement: DCHS1 is on the minus strand). VCF-style: chr11-6633586-C-T. GRCh37 (hg19) VCF-style: chr11-6654817-C-T.
Other names: short protein forms G761R.
Identifiers: ClinVar variation 2038811 (VCV002038811.4), dbSNP rs758898889, ClinGen allele CA5860756.